The following is an entry in ClinVar:

NM_020856.4(TSHZ3):c.2327A>G (p.His776Arg)

Gene: TSHZ3 (teashirt zinc finger homeobox 3; minus strand). Cytogenetic location: 19q12.
Variant type: single nucleotide variant.
Coding change: c.2327A>G on transcript NM_020856.4 (MANE Select); coding-DNA position 2327, A replaced by G.
Protein change: p.His776Arg; replaces histidine 776 with arginine.
Molecular consequence: missense variant.
Genome position (GRCh38, 1-based): chr19:31,277,466, T>C on the plus strand (A>G on the coding strand, the complement: TSHZ3 is on the minus strand). VCF-style: chr19-31277466-T-C. GRCh37 (hg19) VCF-style: chr19-31768372-T-C.
Other names: short protein forms H776R.
Identifiers: ClinVar variation 2631866 (VCV002631866.2), dbSNP rs202051606, ClinGen allele CA9354083.

ClinVar aggregate classification (germline): Uncertain significance (1 of 4 stars; one submission).

Conditions:
TSHZ3-related disorder. Also called: TSHZ3-related condition.

Allele frequency attached by ClinVar (database versions not stated): gnomAD 0.00002; gnomAD exomes 0.00002; TOPMed 0.00003; ExAC 0.00010; 1000 Genomes Project 30x 0.00016; 1000 Genomes Project 0.00020.
gnomAD v4.1: 42 of 1,613,596 alleles (0.0026%); highest among the groups gnomAD compares: Middle Eastern, 0.033%; no homozygotes.

Submission:

PreventionGenetics, part of Exact Sciences
Classification: Uncertain significance for TSHZ3-related condition. Last evaluated: 2025-01-22. Review status: criteria provided, single submitter. Criteria: ACMG Guidelines, 2015. Collection method: clinical testing. Allele origin: germline.
Comment: The TSHZ3 c.2327A>G variant is predicted to result in the amino acid substitution p.His776Arg. To our knowledge, this variant has not been reported in the literature. This variant is reported in 0.014% of alleles in individuals of European (Finnish) descent in gnomAD. At this time, the clinical significance of this variant is uncertain due to the absence of conclusive functional and genetic evidence.